The following is an entry in ClinVar:

ClinVar aggregate classification (germline): Benign/Likely benign. Review status: criteria provided, multiple submitters, no conflicts (2 of 4 stars). 3 submissions from 3 submitters: Benign (1); Likely benign (1). 1 of the submissions does not count toward it. Last evaluated 2023-06-01.

Conditions:
NRXN1-related disorder.

Submissions (3):

CeGaT Center for Human Genetics Tuebingen
Classification: Likely benign. Last evaluated: 2023-06-01. Review status: criteria provided, single submitter. Criteria: CeGaT Center For Human Genetics Tuebingen Variant Classification Criteria Version 2. Collection method: clinical testing. Allele origin: germline. Affected: yes. Observed: 1 variant allele.
Comment: NRXN1: BS2

GeneDx
Classification: Benign. Last evaluated: 2015-03-03. Review status: criteria provided, single submitter. Criteria: GeneDx Variant Classification Process June 2021. Collection method: clinical testing. Allele origin: germline. Affected: yes.

PreventionGenetics, part of Exact Sciences
Classification: Likely benign for NRXN1-related condition. Last evaluated: 2020-02-21. Review status: no assertion criteria provided. Collection method: clinical testing. Allele origin: germline. Not counted in ClinVar's aggregate classification.
Comment: This variant is classified as likely benign based on ACMG/AMP sequence variant interpretation guidelines (Richards et al. 2015 PMID: 25741868, with internal and published modifications).

NM_001330078.2(NRXN1):c.3365-109930GCG[6]

Gene: NRXN1 (neurexin 1; minus strand). Cytogenetic location: 2p16.3.
Variant type: Microsatellite.
Coding change: c.3365-109930GCG[6] on transcript NM_001330078.2 (MANE Select); six copies in a row of the 3-base unit GCG starting at c.3365-109930; the reference has ten copies in a row; four copies, 12 bases deleted.
Molecular consequence: intron variant. On other transcripts: inframe deletion (4).
Genome position (GRCh38, 1-based): chr2:50,346,871-50,346,882, CGCCGCCGCCGC deleted on the plus strand (GCGGCGGCGGCG on the coding strand, the reverse complement: NRXN1 is on the minus strand); deleting any 12 consecutive bases within chr2:50,346,871-50,346,901 gives the same sequence; the position shown is the placement nearest the transcript's 3' end. VCF-style (leftmost placement, unchanged base first): chr2-50346870-GCGCCGCCGCCGC-G. GRCh37 (hg19) VCF-style: chr2-50574008-GCGCCGCCGCCGC-G.
Other names: c.68_79del12 (NM_001330097.1); c.50GCG[6], p.Gly23_Gly26del (NM_001330091.2, NM_001330092.2, NM_001330097.2 and 1 more transcripts); c.3254-109930GCG[6] (NM_001330096.2, NM_001330087.2); c.3299-109930GCG[6] (NM_001330083.2, NM_001330084.2); c.3284-109930GCG[6] (NM_001330088.2); c.3362-109930GCG[6] (NM_001330093.2); c.3353-109930GCG[6] (NM_001330094.2); c.3314-109930GCG[6] (NM_001330095.2); and 4 more.
Identifiers: ClinVar variation 1180179 (VCV001180179.27), dbSNP rs750165040, ClinGen allele CA1654567.